The following is an entry in ClinVar:

ClinVar aggregate classification (germline): Uncertain significance (1 of 4 stars; one submission).

Conditions:
Inborn genetic diseases. Identifiers: MedGen C0950123, MeSH D030342.

gnomAD v4.1: 2 of 1,613,936 alleles (0.00012%); highest among the groups gnomAD compares: Non-Finnish European, 0.00017%; no homozygotes.

Submission:

Ambry Genetics
Classification: Uncertain significance for Inborn genetic diseases. Last evaluated: 2026-09-08. Review status: criteria provided, single submitter. Criteria: Ambry Variant Classification Scheme 2023. Collection method: clinical testing. Allele origin: germline.
Comment: The p.G1426R variant (also known as c.4276G>A), located in coding exon 43 of the FANCA gene, results from a G to A substitution at nucleotide position 4276. The glycine at codon 1426 is replaced by arginine, an amino acid with dissimilar properties. This amino acid position is conserved. In addition, this alteration is predicted to be tolerated by in silico analysis. Based on the available evidence, the clinical significance of this variant remains unclear.

NM_000135.4(FANCA):c.4276G>A (p.Gly1426Arg)

Genes: FANCA (FA complementation group A; minus strand), ZNF276 (zinc finger protein 276; plus strand). Cytogenetic location: 16q24.3.
Variant type: single nucleotide variant.
Coding change: c.4276G>A on transcript NM_000135.4 (MANE Select); coding-DNA position 4276, G replaced by A.
Protein change: p.Gly1426Arg; replaces glycine 1426 with arginine.
Molecular consequence: missense variant. On other transcripts: 3 prime UTR variant (3), non-coding transcript variant (4).
Genome position (GRCh38, 1-based): chr16:89,738,693, C>T on the plus strand (G>A on the coding strand, the complement: FANCA is on the minus strand). VCF-style: chr16-89738693-C-T. GRCh37 (hg19) VCF-style: chr16-89805101-C-T.
Other names: c.*5G>A (NM_001286167.3); c.*447C>T (NM_001113525.2, NM_152287.4); short protein forms G1426R.
Identifiers: ClinVar variation 5036446 (VCV005036446.1).